The following is an entry in ClinVar:

ClinVar aggregate classification (germline): Uncertain significance (1 of 4 stars; one submission).

Conditions:
Hereditary cancer-predisposing syndrome. Also called: Tumor predisposition; Hereditary neoplastic syndrome; Hereditary Cancer Syndrome; Neoplastic Syndromes, Hereditary. Identifiers: Orphanet 140162, MedGen C0027672, MeSH D009386, MONDO:0015356.

gnomAD v4.1: 2 of 1,613,776 alleles (0.00012%); highest among the groups gnomAD compares: Non-Finnish European, 0.00017%; no homozygotes.

Submission:

Ambry Genetics
Classification: Uncertain significance for Hereditary cancer-predisposing syndrome. Last evaluated: 2024-02-27. Review status: criteria provided, single submitter. Criteria: Ambry Variant Classification Scheme 2023. Collection method: clinical testing. Allele origin: germline.
Comment: The p.V118E variant (also known as c.353T>A), located in coding exon 3 of the XRCC2 gene, results from a T to A substitution at nucleotide position 353. The valine at codon 118 is replaced by glutamic acid, an amino acid with dissimilar properties. This alteration was identified in an individual diagnosed with neuroblastoma (Byrjalsen A et al. PLoS Genet, 2020 Dec;16:e1009231). This amino acid position is not well conserved in available vertebrate species. In addition, the in silico prediction for this alteration is inconclusive. Based on the available evidence, the clinical significance of this alteration remains unclear.

Literature cited by the submitters: PubMed 33332384.

NM_005431.2(XRCC2):c.353T>A (p.Val118Glu)

Gene: XRCC2 (X-ray repair cross complementing 2; minus strand). Cytogenetic location: 7q36.1.
Variant type: single nucleotide variant.
Coding change: c.353T>A on transcript NM_005431.2 (MANE Select); coding-DNA position 353, T replaced by A.
Protein change: p.Val118Glu; replaces valine 118 with glutamic acid.
Molecular consequence: missense variant.
Genome position (GRCh38, 1-based): chr7:152,649,132, A>T on the plus strand (T>A on the coding strand, the complement: XRCC2 is on the minus strand). VCF-style: chr7-152649132-A-T. GRCh37 (hg19) VCF-style: chr7-152346217-A-T.
Other names: short protein forms V118E.
Identifiers: ClinVar variation 3224670 (VCV003224670.1), dbSNP rs185815454, ClinGen allele CA370198884.